The following is an entry in ClinVar:

NM_016204.4(GDF2):c.64G>A (p.Gly22Arg)

Gene: GDF2 (growth differentiation factor 2; plus strand). Cytogenetic location: 10q11.22.
Variant type: single nucleotide variant.
Coding change: c.64G>A on transcript NM_016204.4 (MANE Select); coding-DNA position 64, G replaced by A.
Protein change: p.Gly22Arg; replaces glycine 22 with arginine.
Molecular consequence: missense variant.
Genome position (GRCh38, 1-based): chr10:47,322,732, G>A. VCF-style: chr10-47322732-G-A. GRCh37 (hg19) VCF-style: chr10-48416630-C-T.
Other names: short protein forms G22R.
Identifiers: ClinVar variation 652255 (VCV000652255.11), dbSNP rs1555208692, ClinGen allele CA376651858.

ClinVar aggregate classification (germline): Uncertain significance. Review status: criteria provided, multiple submitters, no conflicts (2 of 4 stars). 2 submissions from 2 submitters: Uncertain significance (2). Last evaluated 2024-03-27.

Conditions:
Telangiectasia, hereditary hemorrhagic, type 5 (HHT5). Identifiers: Orphanet 774, MedGen C3809710, MONDO:0014217, OMIM 615506.

Allele frequency attached by ClinVar (database versions not stated): gnomAD exomes below 0.00001; TOPMed below 0.00001; gnomAD 0.00001.

Submissions (2):

GeneDx
Classification: Uncertain significance. Last evaluated: 2024-03-27. Review status: criteria provided, single submitter. Criteria: GeneDx Variant Classification Process June 2021. Collection method: clinical testing. Allele origin: germline. Affected: yes.
Comment: Has not been previously published as pathogenic or benign to our knowledge; Not observed at significant frequency in large population cohorts (gnomAD); In silico analysis supports that this missense variant does not alter protein structure/function

Labcorp Genetics (formerly Invitae), Labcorp
Classification: Uncertain significance for Telangiectasia, hereditary hemorrhagic, type 5. Last evaluated: 2023-08-27. Review status: criteria provided, single submitter. Criteria: Invitae Variant Classification Sherloc (09022015). Collection method: clinical testing. Allele origin: germline.
Comment: An algorithm developed to predict the effect of missense changes on protein structure and function (PolyPhen-2) suggests that this variant is likely to be tolerated. This sequence change replaces glycine, which is neutral and non-polar, with arginine, which is basic and polar, at codon 22 of the GDF2 protein (p.Gly22Arg). The frequency data for this variant in the population databases is considered unreliable, as metrics indicate poor data quality at this position in the gnomAD database. This variant has not been reported in the literature in individuals affected with GDF2-related conditions. ClinVar contains an entry for this variant (Variation ID: 652255). In summary, the available evidence is currently insufficient to determine the role of this variant in disease. Therefore, it has been classified as a Variant of Uncertain Significance.